The following is an entry in ClinVar:

ClinVar aggregate classification (germline): Uncertain significance. Review status: criteria provided, multiple submitters, no conflicts (2 of 4 stars). 2 submissions from 2 submitters: Uncertain significance (2). Last evaluated 2026-08-24.

Conditions:
Hereditary cancer-predisposing syndrome. Also called: Hereditary Cancer Syndrome; Neoplastic Syndromes, Hereditary; Hereditary neoplastic syndrome; Tumor predisposition. Identifiers: Orphanet 140162, MedGen C0027672, MeSH D009386, MONDO:0015356.

Submissions (2):

Ambry Genetics
Classification: Uncertain significance for Hereditary cancer-predisposing syndrome. Last evaluated: 2026-08-24. Review status: criteria provided, single submitter. Criteria: Ambry Variant Classification Scheme 2023. Collection method: clinical testing. Allele origin: germline.
Comment: The c.1340+5G>A intronic variant results from a G to A substitution 5 nucleotides after coding exon 8 in the MSH3 gene. This nucleotide position is well conserved in available vertebrate species. In silico splice site analysis predicts that this alteration will not have any significant effect on splicing. RNA studies have demonstrated that this variant results in a splice defect; the clinical impact of this abnormal splicing is unknown at this time (Ambry internal data). Based on the available evidence, the clinical significance of this variant remains unclear.

Labcorp Genetics (formerly Invitae), Labcorp
Classification: Uncertain significance. Last evaluated: 2021-11-15. Review status: criteria provided, single submitter. Criteria: Invitae Variant Classification Sherloc (09022015). Collection method: clinical testing. Allele origin: germline.
Comment: This variant is not present in population databases (gnomAD no frequency). This variant has not been reported in the literature in individuals affected with MSH3-related conditions. Variants that disrupt the consensus splice site are a relatively common cause of aberrant splicing (PMID: 17576681, 9536098). Algorithms developed to predict the effect of sequence changes on RNA splicing suggest that this variant may disrupt the consensus splice site. In summary, the available evidence is currently insufficient to determine the role of this variant in disease. Therefore, it has been classified as a Variant of Uncertain Significance. This sequence change falls in intron 8 of the MSH3 gene. It does not directly change the encoded amino acid sequence of the MSH3 protein. It affects a nucleotide within the consensus splice site.

Literature cited by the submitters: PubMed 17576681 (cited by Labcorp Genetics (formerly Invitae), Labcorp); PubMed 9536098 (cited by Labcorp Genetics (formerly Invitae), Labcorp).

NM_002439.5(MSH3):c.1340+5G>A

Gene: MSH3 (mutS homolog 3; plus strand). Cytogenetic location: 5q14.1.
Variant type: single nucleotide variant.
Coding change: c.1340+5G>A on transcript NM_002439.5 (MANE Select); 5 bases into the intron after coding-DNA position 1340, G replaced by A.
Molecular consequence: intron variant.
Genome position (GRCh38, 1-based): chr5:80,679,098, G>A. VCF-style: chr5-80679098-G-A. GRCh37 (hg19) VCF-style: chr5-79974917-G-A.
Other names: c.1340+5G>A (NM_002439.3).
Identifiers: ClinVar variation 1416822 (VCV001416822.8), dbSNP rs2112819244, ClinGen allele CA2573139847.